The following is an entry in ClinVar:

NM_001482.3(GATM):c.289-1_292del

Gene: GATM (glycine amidinotransferase; minus strand). Cytogenetic location: 15q21.1.
Variant type: Deletion.
Coding change: c.289-1_292del on transcript NM_001482.3 (MANE Select); the canonical splice acceptor site of the intron before coding-DNA position 289 through coding-DNA position 292, 5 bases deleted (GGCCA; older notation c.289-1_292delGGCCA).
Molecular consequence: splice acceptor variant.
Genome position (GRCh38, 1-based): chr15:45,369,518-45,369,522, TGGCC deleted on the plus strand (GGCCA on the coding strand, the reverse complement: GATM is on the minus strand); deleting any 5 consecutive bases within chr15:45,369,518-45,369,525 gives the same sequence; the c. name uses the placement nearest the transcript's 3' end. VCF-style (leftmost placement, unchanged base first): chr15-45369517-TTGGCC-T. GRCh37 (hg19) VCF-style: chr15-45661715-TTGGCC-T.
Other names: c.-99-1_-96del (NM_001321015.2).
Identifiers: ClinVar variation 2760560 (VCV002760560.3), dbSNP rs2541994594, ClinGen allele CA2697549030.

ClinVar aggregate classification (germline): Likely pathogenic (1 of 4 stars; one submission).

Conditions:
Arginine:glycine amidinotransferase deficiency (CCDS3). Also called: L-Arginine:Glycine Amidinotransferase (AGAT) Deficiency; AGAT deficiency; L-Arginine:Glycine Amidinotransferase Deficiency; Creatine deficiency syndrome due to AGAT deficiency; GATM deficiency; Cerebral creatine deficiency syndrome 3. Identifiers: Orphanet 35704, MedGen C2675179, MONDO:0012996, OMIM 612718.

Submission:

Labcorp Genetics (formerly Invitae), Labcorp
Classification: Likely pathogenic for Arginine:glycine amidinotransferase deficiency. Last evaluated: 2023-09-13. Review status: criteria provided, single submitter. Criteria: Invitae Variant Classification Sherloc (09022015). Collection method: clinical testing. Allele origin: germline.
Comment: In summary, the currently available evidence indicates that the variant is pathogenic, but additional data are needed to prove that conclusively. Therefore, this variant has been classified as Likely Pathogenic. This variant has not been reported in the literature in individuals affected with GATM-related conditions. This variant is not present in population databases (gnomAD no frequency). This variant results in the deletion of part of exon 3 (c.289-1_292del) of the GATM gene. It is expected to disrupt RNA splicing. Variants that disrupt the donor or acceptor splice site typically lead to a loss of protein function (PMID: 16199547), and loss-of-function variants in GATM are known to be pathogenic (PMID: 11555793).

Literature cited by the submitters: PubMed 16199547; PubMed 11555793.